The following is an entry in ClinVar:

NM_000883.4(IMPDH1):c.542C>T (p.Thr181Ile)

Gene: IMPDH1 (inosine monophosphate dehydrogenase 1; minus strand). Cytogenetic location: 7q32.1.
Variant type: single nucleotide variant.
Coding change: c.542C>T on transcript NM_000883.4 (MANE Select); coding-DNA position 542, C replaced by T.
Protein change: p.Thr181Ile; replaces threonine 181 with isoleucine.
Molecular consequence: missense variant. On other transcripts: intron variant (1).
Genome position (GRCh38, 1-based): chr7:128,400,854, G>A on the plus strand (C>T on the coding strand, the complement: IMPDH1 is on the minus strand). VCF-style: chr7-128400854-G-A. GRCh37 (hg19) VCF-style: chr7-128040908-G-A.
Other names: c.512C>T, p.Thr171Ile (NM_001102605.2); c.287C>T, p.Thr96Ile (NM_001142573.2, NM_001142574.2); c.443C>T, p.Thr148Ile (NM_001142576.2); c.335C>T, p.Thr112Ile (NM_001304521.2); c.434C>T, p.Thr145Ile (NM_183243.3); c.249+161C>T (NM_001142575.2); short protein forms T145I, T181I, T96I, T112I, T148I, T171I.
Identifiers: ClinVar variation 4712020 (VCV004712020.1).
Genomic context (GRCh38, chr7:128,400,854, plus strand): 5'-CTGGGGACAGGCCTGGTACTTGCCTTGACCTTCCGCACCTCGTTGGCCTGGAACTCTGGG[G>A]TGCAGTTGTGGTGAATGAAACCAATACCTCCCATCAGCTGATGTAGAAGGGAAGTGTGGT-3'
Protein context (NP_000874.2, residues 171-191): GGIGFIHHNC[Thr181Ile]PEFQANEVRK

ClinVar aggregate classification (germline): Uncertain significance (1 of 4 stars; one submission).

Submission:

Labcorp Genetics (formerly Invitae), Labcorp
Classification: Uncertain significance. Last evaluated: 2025-02-06. Review status: criteria provided, single submitter. Criteria: Invitae Variant Classification Sherloc (09022015). Collection method: clinical testing. Allele origin: germline.
Comment: This sequence change replaces threonine, which is neutral and polar, with isoleucine, which is neutral and non-polar, at codon 181 of the IMPDH1 protein (p.Thr181Ile). This variant is not present in population databases (gnomAD no frequency). This variant has not been reported in the literature in individuals affected with IMPDH1-related conditions. An algorithm developed to predict the effect of missense changes on protein structure and function (PolyPhen-2) suggests that this variant is likely to be disruptive. In summary, the available evidence is currently insufficient to determine the role of this variant in disease. Therefore, it has been classified as a Variant of Uncertain Significance.